The following is an entry in ClinVar:

NM_000188.3(HK1):c.892A>G (p.Ser298Gly)

Gene: HK1 (hexokinase 1; plus strand). Cytogenetic location: 10q22.1.
Variant type: single nucleotide variant.
Coding change: c.892A>G on transcript NM_000188.3 (MANE Select); coding-DNA position 892, A replaced by G.
Protein change: p.Ser298Gly; replaces serine 298 with glycine.
Molecular consequence: missense variant.
Genome position (GRCh38, 1-based): chr10:69,376,950, A>G. VCF-style: chr10-69376950-A-G. GRCh37 (hg19) VCF-style: chr10-71136706-A-G.
Other names: c.904A>G, p.Ser302Gly (NM_001322364.2, NM_001358263.1, NM_033497.3 and 1 more transcripts); c.997A>G, p.Ser333Gly (NM_001322365.2); c.808A>G, p.Ser270Gly (NM_001322366.1); c.796A>G, p.Ser266Gly (NM_001322367.1); c.889A>G, p.Ser297Gly (NM_033496.3); c.856A>G, p.Ser286Gly (NM_033500.2); short protein forms S302G, S298G, S266G, S270G, S333G, S286G, S297G.
Identifiers: ClinVar variation 1914587 (VCV001914587.5), dbSNP rs1839143981, ClinGen allele CA376915904.

ClinVar aggregate classification (germline): Uncertain significance (1 of 4 stars; one submission).

Allele frequency attached by ClinVar (database versions not stated): TOPMed below 0.00001.

Submission:

Labcorp Genetics (formerly Invitae), Labcorp
Classification: Uncertain significance. Last evaluated: 2024-06-23. Review status: criteria provided, single submitter. Criteria: Invitae Variant Classification Sherloc (09022015). Collection method: clinical testing. Allele origin: germline.
Comment: This sequence change replaces serine, which is neutral and polar, with glycine, which is neutral and non-polar, at codon 298 of the HK1 protein (p.Ser298Gly). This variant is not present in population databases (gnomAD no frequency). This variant has not been reported in the literature in individuals affected with HK1-related conditions. ClinVar contains an entry for this variant (Variation ID: 1914587). Advanced modeling of protein sequence and biophysical properties (such as structural, functional, and spatial information, amino acid conservation, physicochemical variation, residue mobility, and thermodynamic stability) performed at Invitae indicates that this missense variant is not expected to disrupt HK1 protein function with a negative predictive value of 80%. In summary, the available evidence is currently insufficient to determine the role of this variant in disease. Therefore, it has been classified as a Variant of Uncertain Significance.